The following is an entry in ClinVar:

NM_001386140.1(MTTP):c.2330G>A (p.Arg777Gln)

Gene: MTTP (microsomal triglyceride transfer protein; plus strand). Cytogenetic location: 4q23.
Variant type: single nucleotide variant.
Coding change: c.2330G>A on transcript NM_001386140.1 (MANE Select); coding-DNA position 2330, G replaced by A.
Protein change: p.Arg777Gln; replaces arginine 777 with glutamine.
Molecular consequence: missense variant.
Genome position (GRCh38, 1-based): chr4:99,619,086, G>A. VCF-style: chr4-99619086-G-A. GRCh37 (hg19) VCF-style: chr4-100540243-G-A.
Other names: c.2330G>A, p.Arg777Gln (NM_000253.4); c.2081G>A, p.Arg694Gln (NM_001300785.2); c.2330G>A (NM_000253.2); short protein forms R694Q, R777Q.
Identifiers: ClinVar variation 2182571 (VCV002182571.2), dbSNP rs746584812, ClinGen allele CA3022335.

ClinVar aggregate classification (germline): Uncertain significance. Review status: criteria provided, multiple submitters, no conflicts (2 of 4 stars). 2 submissions from 2 submitters: Uncertain significance (2). Last evaluated 2022-08-19.

Conditions:
Inborn genetic diseases. Identifiers: MedGen C0950123, MeSH D030342.

Allele frequency attached by ClinVar (database versions not stated): ExAC 0.00002.
gnomAD v4.1: 14 of 1,613,234 alleles (0.00087%); highest among the groups gnomAD compares: African/African-American, 0.0053%; no homozygotes.

Submissions (2):

Labcorp Genetics (formerly Invitae), Labcorp
Classification: Uncertain significance. Last evaluated: 2022-08-19. Review status: criteria provided, single submitter. Criteria: Invitae Variant Classification Sherloc (09022015). Collection method: clinical testing. Allele origin: germline.
Comment: This sequence change replaces arginine, which is basic and polar, with glutamine, which is neutral and polar, at codon 777 of the MTTP protein (p.Arg777Gln). This variant is present in population databases (rs746584812, gnomAD 0.01%). This variant has not been reported in the literature in individuals affected with MTTP-related conditions. Algorithms developed to predict the effect of missense changes on protein structure and function (SIFT, PolyPhen-2, Align-GVGD) all suggest that this variant is likely to be tolerated. In summary, the available evidence is currently insufficient to determine the role of this variant in disease. Therefore, it has been classified as a Variant of Uncertain Significance.

Ambry Genetics
Classification: Uncertain significance for Inborn genetic diseases. Last evaluated: 2021-08-10. Review status: criteria provided, single submitter. Criteria: Ambry Variant Classification Scheme 2023. Collection method: clinical testing. Allele origin: germline.